The following is an entry in ClinVar:

ClinVar aggregate classification (germline): Conflicting classifications of pathogenicity. Review status: criteria provided, conflicting classifications (1 of 4 stars). 17 submissions from 13 submitters: Uncertain significance (9); Likely benign (5). 3 of the submissions do not count toward it. Last evaluated 2026-01-08.

Conditions:
Charcot-Marie-Tooth disease type 4. Also called: Charcot-Marie-Tooth disease, type IV; Charcot-Marie-Tooth, Type 4. Identifiers: Orphanet 64749, MedGen C4082197, MONDO:0018995.
FIG4-related disorder. Also called: FIG4-related condition; FIG4-related disorders.
Bilateral parasagittal parieto-occipital polymicrogyria. Also called: Polymicrogyria, bilateral temporooccipital. Identifiers: Orphanet 208441, MedGen C4013648, MONDO:0012986, OMIM 612691.
Yunis-Varon syndrome (YVS). Also called: Cleidocranial dysplasia, micrognathia, absent thumbs, & distal aphalangia. Identifiers: Orphanet 3472, MedGen C1857663, MONDO:0008995, OMIM 216340.
Inborn genetic diseases. Identifiers: MedGen C0950123, MeSH D030342.
Charcot-Marie-Tooth disease type 4J (CMT4J). Also called: CHARCOT-MARIE-TOOTH DISEASE, DEMYELINATING, TYPE 4J; Charcot-Marie-Tooth Neuropathy Type 4J; CHARCOT-MARIE-TOOTH DISEASE, AUTOSOMAL RECESSIVE, TYPE 4J. Identifiers: Orphanet 139515, MedGen C1970011, MONDO:0012640, OMIM 611228.
Amyotrophic lateral sclerosis type 11 (ALS11). Identifiers: Orphanet 803, MedGen C2675491, MONDO:0012945, OMIM 612577.

Allele frequency attached by ClinVar (database versions not stated): 1000 Genomes Project 0.00020; gnomAD exomes 0.00021 and 0.00030; TOPMed 0.00025; ExAC 0.00028; gnomAD 0.00028 and 0.00029; 1000 Genomes Project 30x 0.00031; ESP Exome Variant Server 0.00054.

Submissions (17):

Labcorp Genetics (formerly Invitae), Labcorp
Classification: Likely benign for Charcot-Marie-Tooth disease type 4. Last evaluated: 2026-01-08. Review status: criteria provided, single submitter. Criteria: Invitae Variant Classification Sherloc (09022015). Collection method: clinical testing. Allele origin: germline.

Women's Health and Genetics/Laboratory Corporation of America, LabCorp
Classification: Uncertain significance. Last evaluated: 2025-10-28. Review status: criteria provided, single submitter. Criteria: LabCorp Variant Classification Summary - May 2015. Collection method: clinical testing. Allele origin: germline.
Comment: Variant summary: FIG4 c.834A>T (p.Lys278Asn) results in a non-conservative amino acid change in the encoded protein sequence. Algorithms developed to predict the effect of missense changes on protein structure and function are either unavailable or do not agree on the potential impact of this missense change. The variant allele was found at a frequency of 0.0003 in 250824 control chromosomes (gnomAD). This frequency is not significantly higher than estimated for disease-causing variants in FIG4, allowing no conclusion about variant significance. c.834A>T has been observed in individuals with suspected Charcot-Marie-Tooth disease without strong evidence of causality (Volodarsky_2021). This report does not provide unequivocal conclusions about association of the variant with Charcot-Marie-Tooth disease type 4J. To our knowledge, no experimental evidence demonstrating an impact on protein function has been reported. The following publication has been ascertained in the context of this evaluation (PMID: 32376792). ClinVar contains an entry for this variant (Variation ID: 407082). Based on the evidence outlined above, the variant was classified as uncertain significance.

CeGaT Center for Human Genetics Tuebingen
Classification: Uncertain significance. Last evaluated: 2025-07-01. Review status: criteria provided, single submitter. Criteria: CeGaT Center For Human Genetics Tuebingen Variant Classification Criteria Version 2. Collection method: clinical testing. Allele origin: germline. Affected: yes. Observed: 2 variant alleles.

Blueprint Genetics
Classification: Uncertain significance. Last evaluated: 2024-11-20. Review status: criteria provided, single submitter. Criteria: ACMG Guidelines, 2015. Collection method: clinical testing. Allele origin: germline.

Mayo Clinic Laboratories, Mayo Clinic
Classification: Uncertain significance. Last evaluated: 2022-10-07. Review status: criteria provided, single submitter. Criteria: ACMG Guidelines, 2015. Collection method: clinical testing. Allele origin: germline. Observed: 2 variant alleles.
Comment: BP4

Ambry Genetics
Classification: Likely benign for Inborn genetic diseases. Last evaluated: 2021-10-05. Review status: criteria provided, single submitter. Criteria: Ambry Variant Classification Scheme 2023. Collection method: clinical testing. Allele origin: germline.

GeneDx
Classification: Likely benign. Last evaluated: 2021-05-06. Review status: criteria provided, single submitter. Criteria: GeneDx Variant Classification Process June 2021. Collection method: clinical testing. Allele origin: germline. Affected: yes.
Comment: See Variant Classification Assertion Criteria.

Athena Diagnostics
Classification: Likely benign. Last evaluated: 2021-03-23. Review status: criteria provided, single submitter. Criteria: Athena Diagnostics criteria. Collection method: clinical testing. Allele origin: unknown.

Genomic Research Center, Shahid Beheshti University of Medical Sciences
Classification: Uncertain significance for Charcot-Marie-Tooth disease type 4J. Last evaluated: 2018-03-05. Review status: criteria provided, single submitter. Criteria: ACMG Guidelines, 2015. Collection method: clinical testing. Allele origin: inherited. Affected: yes. Observed: 1 variant allele.

Genomic Research Center, Shahid Beheshti University of Medical Sciences
Classification: Uncertain significance for Amyotrophic lateral sclerosis type 11. Last evaluated: 2018-03-05. Review status: criteria provided, single submitter. Criteria: ACMG Guidelines, 2015. Collection method: clinical testing. Allele origin: inherited. Affected: yes. Observed: 1 variant allele.

Genomic Research Center, Shahid Beheshti University of Medical Sciences
Classification: Uncertain significance for Yunis-Varon syndrome. Last evaluated: 2018-03-05. Review status: criteria provided, single submitter. Criteria: ACMG Guidelines, 2015. Collection method: clinical testing. Allele origin: inherited. Affected: yes. Observed: 1 variant allele.

Genomic Research Center, Shahid Beheshti University of Medical Sciences
Classification: Uncertain significance for Bilateral parasagittal parieto-occipital polymicrogyria. Last evaluated: 2018-03-05. Review status: criteria provided, single submitter. Criteria: ACMG Guidelines, 2015. Collection method: clinical testing. Allele origin: inherited. Affected: yes. Observed: 1 variant allele.

Illumina Laboratory Services, Illumina
Classification: Uncertain significance for Charcot-Marie-Tooth disease type 4J. Last evaluated: 2017-04-27. Review status: criteria provided, single submitter. Criteria: ICSL Variant Classification Criteria 13 December 2019. Collection method: clinical testing. Allele origin: germline.

Illumina Laboratory Services, Illumina
Classification: Likely benign for Amyotrophic lateral sclerosis type 11. Last evaluated: 2017-04-27. Review status: criteria provided, single submitter. Criteria: ICSL Variant Classification Criteria 13 December 2019. Collection method: clinical testing. Allele origin: germline.
Comment: This variant was observed as part of a predisposition screen in an ostensibly healthy population. A literature search was performed for the gene, cDNA change, and amino acid change (where applicable). No publications were found based on this search. Allele frequency data from public databases allowed determination this variant is unlikely to cause disease. Therefore, this variant is classified as likely benign.

PreventionGenetics, part of Exact Sciences
Classification: Likely benign for FIG4-related condition. Last evaluated: 2022-05-05. Review status: no assertion criteria provided. Collection method: clinical testing. Allele origin: germline. Not counted in ClinVar's aggregate classification.
Comment: This variant is classified as likely benign based on ACMG/AMP sequence variant interpretation guidelines (Richards et al. 2015 PMID: 25741868, with internal and published modifications).

Clinical Genetics, Academic Medical Center
Classification: Likely benign. Review status: no assertion criteria provided. Collection method: clinical testing. Allele origin: germline. Affected: yes. Study: VKGL Data-share Consensus. Not counted in ClinVar's aggregate classification.

Laboratory of Diagnostic Genome Analysis, Leiden University Medical Center (LUMC)
Classification: Likely benign. Review status: no assertion criteria provided. Collection method: clinical testing. Allele origin: germline. Affected: yes. Study: VKGL Data-share Consensus. Not counted in ClinVar's aggregate classification.

Literature cited by the submitters: PubMed 32376792 (cited by Women's Health and Genetics/Laboratory Corporation of America, LabCorp and Mayo Clinic Laboratories, Mayo Clinic); PubMed 21705420 (cited by Athena Diagnostics); PubMed 32385536 (cited by Athena Diagnostics).

NM_014845.6(FIG4):c.834A>T (p.Lys278Asn)

Gene: FIG4 (FIG4 phosphoinositide 5-phosphatase; plus strand). Cytogenetic location: 6q21.
Variant type: single nucleotide variant.
Coding change: c.834A>T on transcript NM_014845.6 (MANE Select); coding-DNA position 834, A replaced by T.
Protein change: p.Lys278Asn; replaces lysine 278 with asparagine.
Molecular consequence: missense variant.
Genome position (GRCh38, 1-based): chr6:109,741,502, A>T. VCF-style: chr6-109741502-A-T. GRCh37 (hg19) VCF-style: chr6-110062705-A-T.
Other names: p.Lys278Asn; short protein forms K278N.
Identifiers: ClinVar variation 407082 (VCV000407082.53), dbSNP rs138048706, ClinGen allele CA3955919.